The following is an entry in ClinVar:

ClinVar aggregate classification (germline): Pathogenic/Likely pathogenic. Review status: criteria provided, multiple submitters, no conflicts (2 of 4 stars). 7 submissions from 7 submitters: Pathogenic (1); Likely pathogenic (4). 2 of the submissions do not count toward it. Last evaluated 2025-12-06.

Conditions:
ALDOB-related disorder. Also called: ALDOB-related condition.
Hereditary fructosuria. Also called: Fructose intolerance; ALDOB DEFICIENCY; ALDOLASE B DEFICIENCY; FRUCTOSE-1,6-BISPHOSPHATE ALDOLASE B DEFICIENCY; FRUCTOSE-1-PHOSPHATE ALDOLASE DEFICIENCY; FRUCTOSEMIA. Identifiers: Orphanet 469, MedGen C0016751, MONDO:0009249, OMIM 229600, HP:0005973. Disease mechanism: loss of function.

Allele frequency attached by ClinVar (database versions not stated): gnomAD exomes below 0.00001; ExAC 0.00001.
gnomAD v4.1: 4 of 1,614,048 alleles (0.00025%); highest among the groups gnomAD compares: Admixed American, 0.0033%; no homozygotes.

Submissions (7):

Labcorp Genetics (formerly Invitae), Labcorp
Classification: Pathogenic for Hereditary fructosuria. Last evaluated: 2025-12-06. Review status: criteria provided, single submitter. Criteria: Invitae Variant Classification Sherloc (09022015). Collection method: clinical testing. Allele origin: germline.
Comment: This sequence change affects codon 108 of the ALDOB mRNA. It is a 'silent' change, meaning that it does not change the encoded amino acid sequence of the ALDOB protein. RNA analysis indicates that this variant induces altered splicing and likely results in the loss of 4 amino acid residue(s), but is expected to preserve the integrity of the reading-frame. This variant is present in population databases (rs750026492, gnomAD no frequency). This variant has been observed in individual(s) with clinical features of ALDOB-related conditions (PMID: 12205126, 18541450; internal data). In at least one individual the data is consistent with being in trans (on the opposite chromosome) from a pathogenic variant. This variant is also known as g.1133G>A. ClinVar contains an entry for this variant (Variation ID: 188779). Variants that disrupt the consensus splice site are a relatively common cause of aberrant splicing (PMID: 17576681, 9536098). Studies have shown that this variant results in the activation of a cryptic splice site in exon 3 (PMID: 12205126). For these reasons, this variant has been classified as Pathogenic.

Natera, Inc.
Classification: Likely pathogenic for Fructose intolerance. Last evaluated: 2025-08-29. Review status: criteria provided, single submitter. Criteria: Natera Variant Classification Schema (03/2026). Collection method: clinical testing. Allele origin: germline.
Comment: The c.324G>A variant in ALDOB is a synonymous variant that does not alter the encoded amino acid at position 108 (p.K108=). This variant is rare in the general population with a frequency below the threshold expected for the associated phenotype(s). This variant has been observed in one or more individuals affected with the associated recessive disease, as either homozygous or compound heterozygous with a second variant (PMID: 12205126, 18541450). Functional studies show that this variant may disrupt protein function (PMID: 12205126). Computational prediction algorithms indicate this variant is likely to affect gene or protein function. Given the available evidence, this variant is classified as Likely Pathogenic.

PreventionGenetics, part of Exact Sciences
Classification: Likely pathogenic for ALDOB-related condition. Last evaluated: 2024-12-13. Review status: criteria provided, single submitter. Criteria: ACMG Guidelines, 2015. Collection method: clinical testing. Allele origin: germline.
Comment: The ALDOB c.324G>A variant is not predicted to result in an amino acid change (p.=). This variant is located at the last nucleotide of an exon and is predicted to weaken the consensus splice donor site based on available splicing prediction programs (SpliceAI, Jaganathan et al. 2019. PubMed ID: 30661751). This variant has been reported in the compound heterozygous state with the pathogenic p.Ala150Pro variant in two individuals with hereditary fructose intolerance (also described as g.1133G>A in Sanchez-Gutierrez et al. 2002. PubMed ID: 12205126; Davit-Spraul et al. 2008. PubMed ID: 18541450). mRNA studies in hepatic biopsy of a compound heterozygote showed that this variant results in an in-frame deletion of 12 nucleotides, and the aberrant transcript was also found to be less abundant compared with the other allele carrying the p.Ala150Pro variant (Sanchez-Gutierrez et al. 2002. PubMed ID: 12205126). This variant is reported in 0.0029% of alleles in individuals of Latino descent in gnomAD. This variant is interpreted as likely pathogenic.

Fulgent Genetics
Classification: Likely pathogenic for Hereditary fructosuria. Last evaluated: 2024-03-05. Review status: criteria provided, single submitter. Criteria: ACMG Guidelines, 2015. Collection method: clinical testing. Allele origin: germline.

Women's Health and Genetics/Laboratory Corporation of America, LabCorp
Classification: Likely pathogenic for Hereditary fructosuria. Last evaluated: 2019-10-14. Review status: criteria provided, single submitter. Criteria: LabCorp Variant Classification Summary - May 2015. Collection method: clinical testing. Allele origin: germline.
Comment: Variant summary: ALDOB c.324G>A (p.Lys108Lys) alters a conserved nucleotide located close to a canonical splice site and therefore could affect mRNA splicing, leading to a significantly altered protein sequence. 5/5 computational tools predict that the variant has a significant impact on normal splicing by either abolishing or weakening a 5' splicing donor site. At least one publication reports experimental evidence that this variant affects mRNA splicing (Sanchez-Gutierrez_2002). The variant allele was found at a frequency of 4e-06 in 249854 control chromosomes (gnomAD). c.324G>A has been reported in the literature in individuals affected with Hereditary Fructose Intolerance (Sanchez-Gutierrez_2002, Davit-Spraul_2008). These data indicate that the variant may be associated with disease. No clinical diagnostic laboratories have submitted clinical-significance assessments for this variant to ClinVar after 2014. Based on the evidence outlined above, the variant was classified as likely pathogenic.

ATS em Genética Clínica, Universidade Federal do Rio Grande do Sul
Classification: Likely pathogenic for Hereditary fructosuria. Last evaluated: 2021-03-18. Review status: no assertion criteria provided. Collection method: literature only. Allele origin: unknown. Affected: yes. Not counted in ClinVar's aggregate classification.

Counsyl
Classification: Likely pathogenic for Hereditary fructosuria. Last evaluated: 2014-05-13. Review status: no assertion criteria provided. Collection method: literature only. Allele origin: unknown. Inheritance: Autosomal recessive inheritance. Not counted in ClinVar's aggregate classification.

Literature cited by the submitters: PubMed 12205126 (cited by 5 submitters); PubMed 18541450 (cited by 4 submitters); PubMed 17576681 (cited by Labcorp Genetics (formerly Invitae), Labcorp); PubMed 9536098 (cited by Labcorp Genetics (formerly Invitae), Labcorp); PubMed 25525159 (cited by Women's Health and Genetics/Laboratory Corporation of America, LabCorp); PubMed 20848650 (cited by Women's Health and Genetics/Laboratory Corporation of America, LabCorp and Counsyl); PubMed 15532022 (cited by Counsyl).

NM_000035.4(ALDOB):c.324G>A (p.Lys108=)

Gene: ALDOB (aldolase, fructose-bisphosphate B; minus strand). Cytogenetic location: 9q31.1.
Variant type: single nucleotide variant.
Coding change: c.324G>A on transcript NM_000035.4 (MANE Select); coding-DNA position 324, G replaced by A.
Protein change: p.Lys108=; no amino-acid change (lysine 108 retained).
Molecular consequence: synonymous variant.
Genome position (GRCh38, 1-based): chr9:101,429,755, C>T on the plus strand (G>A on the coding strand, the complement: ALDOB is on the minus strand). VCF-style: chr9-101429755-C-T. GRCh37 (hg19) VCF-style: chr9-104192037-C-T.
Other names: c.324G>A, p.Lys108= (LRG_1244t1).
Identifiers: ClinVar variation 188779 (VCV000188779.17), dbSNP rs750026492, ClinGen allele CA199056.
Genomic context (GRCh38, chr9:101,429,755, plus strand): 5'-CAGTGTGCTTGGAGTTTGCCTAGGACAAAGCAGAAGTGAGGTGTGAATGGAGGTGTTCAC[C>T]TTGATTCCCACCACGATCCCCTTTTCCTTGAGGATGTTTCTGAACAGCTTTCCCTGGCTG-3'
Protein context (NP_000026.2, residues 98-118): LKEKGIVVGI[Lys108=]LDQGGAPLAG